The following is an entry in ClinVar:

NM_174936.4(PCSK9):c.930_935del (p.Leu311_Val312del)

Gene: PCSK9 (proprotein convertase subtilisin/kexin type 9; plus strand). Cytogenetic location: 1p32.3.
Variant type: Deletion.
Coding change: c.930_935del on transcript NM_174936.4 (MANE Select); coding-DNA positions 930 to 935, 6 bases deleted (GCTGGT; older notation c.930_935delGCTGGT).
Protein change: p.Leu311_Val312del.
Molecular consequence: non-coding transcript variant (on NR_110451.3).
Genome position (GRCh38, 1-based): chr1:55,056,123-55,056,128, GCTGGT deleted; deleting any 6 consecutive bases within chr1:55,056,121-55,056,128 gives the same sequence; the c. name uses the placement nearest the transcript's 3' end. VCF-style (leftmost placement, unchanged base first): chr1-55056120-CGTGCTG-C. GRCh37 (hg19) VCF-style: chr1-55521793-CGTGCTG-C.
Other names: c.1053_1058del, p.Leu352_Val353del (NM_001407240.1); c.930_935del, p.Leu311_Val312del (NM_001407241.1, NM_001407244.1, NM_001407247.1); c.933_938del, p.Leu312_Val313del (NM_001407242.1); c.873_878del, p.Leu292_Val293del (NM_001407243.1); c.738_743del, p.Leu247_Val248del (NM_001407245.1); c.555_560del, p.Leu186_Val187del (NM_001407246.1).
Identifiers: ClinVar variation 3893904 (VCV003893904.1).

ClinVar aggregate classification (germline): Uncertain significance (1 of 4 stars; one submission).

Conditions:
Familial hypercholesterolemia. Also called: Familial hypercholesterolaemia. Identifiers: MedGen C0020445, MONDO:0005439.

Submission:

Color Diagnostics, LLC DBA Color Health
Classification: Uncertain significance for Familial hypercholesterolemia. Last evaluated: 2025-02-25. Review status: criteria provided, single submitter. Criteria: ACMG Guidelines, 2015. Collection method: clinical testing. Allele origin: germline.
Comment: This variant causes an in-frame deletion of two amino acids at exon 6 of the PCSK9 protein. To our knowledge, functional studies have not been reported for this variant. This variant has not been reported in individuals affected with PCSK9-related disorders in the literature. This variant has not been identified in the general population by the Genome Aggregation Database (gnomAD). The available evidence is insufficient to determine the role of this variant in disease conclusively. Therefore, this variant is classified as a Variant of Uncertain Significance.